The following is an entry in ClinVar:

NM_133433.4(NIPBL):c.7523A>G (p.Asp2508Gly)

Gene: NIPBL (NIPBL cohesin loading factor; plus strand). Cytogenetic location: 5p13.2.
Variant type: single nucleotide variant.
Coding change: c.7523A>G on transcript NM_133433.4 (MANE Select); coding-DNA position 7523, A replaced by G.
Protein change: p.Asp2508Gly; replaces aspartic acid 2508 with glycine.
Molecular consequence: missense variant.
Genome position (GRCh38, 1-based): chr5:37,059,003, A>G. VCF-style: chr5-37059003-A-G. GRCh37 (hg19) VCF-style: chr5-37059105-A-G.
Other names: c.7523A>G, p.Asp2508Gly (NM_015384.5); short protein forms D2508G.
Identifiers: ClinVar variation 1031112 (VCV001031112.1), dbSNP rs1754386332, ClinGen allele CA359516000.
Genomic context (GRCh38, chr5:37,059,003, plus strand): 5'-ATGAGTCAAGCGACAGTGAAGAAGAAGTTTCCAGGCCTCGGAAGTCACGGAAACGTGTAG[A>G]TTCAGATTCAGATTCAGATTCAGAAGACGATATAAATTCAGTGATGAAATGTTTGCCAGA-3'
Protein context (NP_597677.2, residues 2498-2518): SRPRKSRKRV[Asp2508Gly]SDSDSDSEDD

ClinVar aggregate classification (germline): Uncertain significance (1 of 4 stars; one submission).

Conditions:
Cornelia de Lange syndrome 1 (CDLS1). Also called: NIPBL-Related Cornelia de Lange Syndrome; TYPUS DEGENERATIVUS AMSTELODAMENSIS; Brachmann de Lange syndrome. Identifiers: Orphanet 199, MedGen C4551851, MONDO:0007387, OMIM 122470.

Submission:

Baylor Genetics
Classification: Uncertain significance for Cornelia de Lange syndrome 1. Last evaluated: 2020-06-09. Review status: criteria provided, single submitter. Criteria: ACMG Guidelines, 2015. Collection method: clinical testing. Allele origin: unknown. Affected: yes.
Comment: This variant was determined to be of uncertain significance according to ACMG Guidelines, 2015 [PMID:25741868].